The following is an entry in ClinVar:

ClinVar aggregate classification (germline): Uncertain significance (1 of 4 stars; one submission).

Conditions:
Primary ciliary dyskinesia. Also called: Ciliary dyskinesia. Identifiers: Orphanet 244, MedGen C0008780, MONDO:0016575, HP:0012265.

Allele frequency attached by ClinVar (database versions not stated): TOPMed 0.00001.

Submission:

Labcorp Genetics (formerly Invitae), Labcorp
Classification: Uncertain significance for Primary ciliary dyskinesia. Last evaluated: 2023-10-13. Review status: criteria provided, single submitter. Criteria: Invitae Variant Classification Sherloc (09022015). Collection method: clinical testing. Allele origin: germline.
Comment: This sequence change affects codon 80 of the RSPH1 mRNA. It is a 'silent' change, meaning that it does not change the encoded amino acid sequence of the RSPH1 protein. This variant is not present in population databases (gnomAD no frequency). This variant has not been reported in the literature in individuals affected with RSPH1-related conditions. ClinVar contains an entry for this variant (Variation ID: 1464761). Algorithms developed to predict the effect of sequence changes on RNA splicing suggest that this variant may disrupt the consensus splice site. In summary, the available evidence is currently insufficient to determine the role of this variant in disease. Therefore, it has been classified as a Variant of Uncertain Significance.

NM_080860.4(RSPH1):c.240C>T (p.Gly80=)

Genes: RSPH1 (radial spoke head component 1; minus strand), LOC126653391 (CDK7 strongly-dependent group 2 enhancer GRCh37_chr21:43912470-43913669; plus strand). Cytogenetic location: 21q22.3.
Variant type: single nucleotide variant.
Coding change: c.240C>T on transcript NM_080860.4 (MANE Select); coding-DNA position 240, C replaced by T.
Protein change: p.Gly80=; no amino-acid change (glycine 80 retained).
Molecular consequence: synonymous variant.
Genome position (GRCh38, 1-based): chr21:42,492,792, G>A on the plus strand (C>T on the coding strand, the complement: RSPH1 is on the minus strand). VCF-style: chr21-42492792-G-A. GRCh37 (hg19) VCF-style: chr21-43912902-G-A.
Other names: c.126C>T, p.Gly42= (NM_001286506.2).
Identifiers: ClinVar variation 1464761 (VCV001464761.8), dbSNP rs2054248887, ClinGen allele CA512668571.